The following is an entry in ClinVar:

ClinVar aggregate classification (germline): Uncertain significance (1 of 4 stars; one submission).

Submission:

Labcorp Genetics (formerly Invitae), Labcorp
Classification: Uncertain significance. Last evaluated: 2023-08-17. Review status: criteria provided, single submitter. Criteria: Invitae Variant Classification Sherloc (09022015). Collection method: clinical testing. Allele origin: germline.
Comment: In summary, the available evidence is currently insufficient to determine the role of this variant in disease. Therefore, it has been classified as a Variant of Uncertain Significance. Experimental studies and prediction algorithms are not available or were not evaluated, and the functional significance of this variant is currently unknown. ClinVar contains an entry for this variant (Variation ID: 1902381). This variant has not been reported in the literature in individuals affected with NIN-related conditions. Information on the frequency of this variant in the gnomAD database is not available, as this variant may be reported differently in the database. This sequence change replaces glutamic acid, which is acidic and polar, with lysine, which is basic and polar, at codon 659 of the NIN protein (p.Glu659Lys).

NM_020921.4(NIN):c.1974_1975inv (p.Glu659Lys)

Genes: NIN (ninein; minus strand), LOC130055602 (ATAC-STARR-seq lymphoblastoid active region 8362; plus strand). Cytogenetic location: 14q22.1.
Variant type: Inversion.
Coding change: c.1974_1975inv on transcript NM_020921.4 (MANE Select).
Protein change: p.Glu659Lys; replaces glutamic acid 659 with lysine.
Molecular consequence: missense variant.
Genome position: GRCh38 VCF-style: chr14-50760281-CA-TG. GRCh37 (hg19) VCF-style: chr14-51226999-CA-TG.
Other names: c.1974_1975inv, p.Glu659Lys (NM_016350.5, NM_182944.3, NM_182946.2); short protein forms E659K.
Identifiers: ClinVar variation 1902381 (VCV001902381.5), ClinGen allele CA2580088234.